The following is an entry in ClinVar:

NM_000217.3(KCNA1):c.*5145T>C

Gene: KCNA1 (potassium voltage-gated channel subfamily A member 1; plus strand). Cytogenetic location: 12p13.32.
Variant type: single nucleotide variant.
Coding change: c.*5145T>C on transcript NM_000217.3 (MANE Select); 5145 bases downstream of the stop codon, T replaced by C.
Molecular consequence: 3 prime UTR variant.
Genome position (GRCh38, 1-based): chr12:4,918,011, T>C. VCF-style: chr12-4918011-T-C. GRCh37 (hg19) VCF-style: chr12-5027177-T-C.
Identifiers: ClinVar variation 309224 (VCV000309224.8), dbSNP rs11063406, ClinGen allele CA10642554.
Genomic context (GRCh38, chr12:4,918,011, plus strand): 5'-GTAGTATTAATTTAAAGTGCACCATCAGGACAACAAACCATTTAAGCTGAAAAAACGCTA[T>C]TTTATTTCTTGAGTTTGCCAGTTGCTTCCACCTTGAGTTAAGGACGTGTCTCATCTTCAC-3'

ClinVar aggregate classification (germline): Benign/Likely benign. Review status: criteria provided, multiple submitters, no conflicts (2 of 4 stars). 3 submissions from 3 submitters: Benign (1); Likely benign (2). Last evaluated 2021-05-14.

Conditions:
Episodic ataxia type 1 (EA1). Also called: ATAXIA, EPISODIC, WITH MYOKYMIA; MYOKYMIA WITH PERIODIC ATAXIA; PAROXYSMAL ATAXIA WITH NEUROMYOTONIA, HEREDITARY; Episodic ataxia/myokymia syndrome. Identifiers: Orphanet 37612, Orphanet 972, MedGen C1719788, MONDO:0008047, OMIM 160120.

Allele frequency attached by ClinVar (database versions not stated): gnomAD exomes 0.01277; gnomAD 0.02510 and 0.02520; 1000 Genomes Project 0.02536; 1000 Genomes Project 30x 0.02655; TOPMed 0.02974.

Submissions (3):

GeneDx
Classification: Likely benign. Last evaluated: 2021-05-14. Review status: criteria provided, single submitter. Criteria: GeneDx Variant Classification Process June 2021. Collection method: clinical testing. Allele origin: germline. Affected: yes.

Illumina Laboratory Services, Illumina
Classification: Benign for Episodic ataxia type 1. Last evaluated: 2018-01-13. Review status: criteria provided, single submitter. Criteria: ICSL Variant Classification Criteria 13 December 2019. Collection method: clinical testing. Allele origin: germline.
Comment: This variant was observed in the ICSL laboratory as part of a predisposition screen in an ostensibly healthy population. It had not been previously curated by ICSL or reported in the Human Gene Mutation Database (HGMD: prior to June 1st, 2018), and was therefore a candidate for classification through an automated scoring system. Utilizing variant allele frequency, disease prevalence and penetrance estimates, and inheritance mode, an automated score was calculated to assess if this variant is too frequent to cause the disease. Based on the score and internal cut-off values, a variant classified as benign is not then subjected to further curation. The score for this variant resulted in a classification of benign for this disease.

Breakthrough Genomics
Classification: Likely benign. Review status: criteria provided, single submitter. Criteria: ACMG Guidelines, 2015. Collection method: not provided. Allele origin: germline. Inheritance: Autosomal dominant inheritance. Affected: yes.